The following is an entry in ClinVar:

NM_000532.5(PCCB):c.67G>A (p.Ala23Thr)

Gene: PCCB (propionyl-CoA carboxylase subunit beta; plus strand). Cytogenetic location: 3q22.3.
Variant type: single nucleotide variant.
Coding change: c.67G>A on transcript NM_000532.5 (MANE Select); coding-DNA position 67, G replaced by A.
Protein change: p.Ala23Thr; replaces alanine 23 with threonine.
Molecular consequence: missense variant.
Genome position (GRCh38, 1-based): chr3:136,250,442, G>A. VCF-style: chr3-136250442-G-A. GRCh37 (hg19) VCF-style: chr3-135969284-G-A.
Other names: c.67G>A, p.Ala23Thr (NM_001178014.2); short protein forms A23T.
Identifiers: ClinVar variation 1357368 (VCV001357368.5), dbSNP rs772483250, ClinGen allele CA2631565.
Genomic context (GRCh38, chr3:136,250,442, plus strand): 5'-GCGGCATTACGGGTGGCGGCGGTCGGGGCAAGGCTCAGCGTTCTGGCGAGCGGTCTCCGC[G>A]CCGCGGTCCGCAGCCTTTGCAGCCAGGCCACCTCTGTTAACGAACGCATCGAAAACAAGC-3'
Protein context (NP_000523.2, residues 13-33): RLSVLASGLR[Ala23Thr]AVRSLCSQAT

ClinVar aggregate classification (germline): Uncertain significance (1 of 4 stars; one submission).

Conditions:
Propionic acidemia (PROP). Also called: HYPERGLYCINEMIA WITH KETOACIDOSIS AND LEUKOPENIA; KETOTIC HYPERGLYCINEMIA; GLYCINEMIA, KETOTIC. Identifiers: Orphanet 35, MedGen C0268579, MONDO:0011628, OMIM 606054, HP:0003571.

Allele frequency attached by ClinVar (database versions not stated): gnomAD 0.00001; gnomAD exomes 0.00001 and 0.00002; TOPMed 0.00001; ExAC 0.00002.
gnomAD v4.1: 32 of 1,599,568 alleles (0.002%); highest among the groups gnomAD compares: Non-Finnish European, 0.0022%; no homozygotes.

Submission:

Labcorp Genetics (formerly Invitae), Labcorp
Classification: Uncertain significance for Propionic acidemia. Last evaluated: 2022-02-04. Review status: criteria provided, single submitter. Criteria: Invitae Variant Classification Sherloc (09022015). Collection method: clinical testing. Allele origin: germline.
Comment: This sequence change replaces alanine, which is neutral and non-polar, with threonine, which is neutral and polar, at codon 23 of the PCCB protein (p.Ala23Thr). The frequency data for this variant in the population databases is considered unreliable, as metrics indicate poor data quality at this position in the gnomAD database. This variant has not been reported in the literature in individuals affected with PCCB-related conditions. Advanced modeling of protein sequence and biophysical properties (such as structural, functional, and spatial information, amino acid conservation, physicochemical variation, residue mobility, and thermodynamic stability) performed at Invitae indicates that this missense variant is not expected to disrupt PCCB protein function. In summary, the available evidence is currently insufficient to determine the role of this variant in disease. Therefore, it has been classified as a Variant of Uncertain Significance.